The following is an entry in ClinVar:

ClinVar aggregate classification (germline): Likely pathogenic (1 of 4 stars; one submission).

Conditions:
Cardiovascular phenotype. Identifiers: MedGen CN230736.

Submission:

Ambry Genetics
Classification: Likely pathogenic for Cardiovascular phenotype. Last evaluated: 2022-03-25. Review status: criteria provided, single submitter. Criteria: Ambry Variant Classification Scheme 2023. Collection method: clinical testing. Allele origin: germline.
Comment: The c.4457-1G>T intronic variant results from a G to T substitution one nucleotide before coding exon 26 of the FLNC gene. This nucleotide position is highly conserved in available vertebrate species. In silico splice site analysis predicts that this alteration will weaken the native splice acceptor site and will result in the creation or strengthening of a novel splice acceptor site. Alterations that disrupt the canonical splice site are expected to cause aberrant splicing, resulting in an abnormal protein or a transcript that is subject to nonsense-mediated mRNA decay. As such, this alteration is classified as likely pathogenic.

NM_001458.5(FLNC):c.4457-1G>T

Gene: FLNC (filamin C; plus strand). Cytogenetic location: 7q32.1.
Variant type: single nucleotide variant.
Coding change: c.4457-1G>T on transcript NM_001458.5 (MANE Select); the canonical splice acceptor site of the intron before coding-DNA position 4457, G replaced by T.
Molecular consequence: splice acceptor variant.
Genome position (GRCh38, 1-based): chr7:128,847,944, G>T. VCF-style: chr7-128847944-G-T. GRCh37 (hg19) VCF-style: chr7-128487998-G-T.
Other names: c.4457-1G>T (NM_001127487.2).
Identifiers: ClinVar variation 1740735 (VCV001740735.2), dbSNP rs1404524040, ClinGen allele CA369201758.